The following is an entry in ClinVar:

NM_005157.6(ABL1):c.249T>G (p.Thr83=)

Gene: ABL1 (ABL proto-oncogene 1, non-receptor tyrosine kinase; plus strand). Cytogenetic location: 9q34.12.
Variant type: single nucleotide variant.
Coding change: c.249T>G on transcript NM_005157.6 (MANE Select); coding-DNA position 249, T replaced by G.
Protein change: p.Thr83=; no amino-acid change (threonine 83 retained).
Molecular consequence: synonymous variant.
Genome position (GRCh38, 1-based): chr9:130,854,233, T>G. VCF-style: chr9-130854233-T-G. GRCh37 (hg19) VCF-style: chr9-133729620-T-G.
Other names: c.306T>G, p.Thr102= (NM_007313.3).
Identifiers: ClinVar variation 719810 (VCV000719810.38), dbSNP rs111886835, ClinGen allele CA5285180.

ClinVar aggregate classification (germline): Benign/Likely benign. Review status: criteria provided, multiple submitters, no conflicts (2 of 4 stars). 7 submissions from 7 submitters: Benign (2); Likely benign (3). 2 of the submissions do not count toward it. Last evaluated 2026-08-01.

Conditions:
Congenital heart defects and skeletal malformations syndrome. Identifiers: Orphanet 643503, MedGen C4539857, MONDO:0060532, OMIM 617602.
Chronic myeloid leukemia. Also called: Chronic myelogenous leukemia, BCR-ABL1 positive; Chronic myelogenous leukemia. Identifiers: Orphanet 521, MedGen C0279543, MeSH D015464, MONDO:0011996, OMIM 608232, HP:0005506.

Allele frequency attached by ClinVar (database versions not stated): 1000 Genomes Project 30x 0.00281; 1000 Genomes Project 0.00300; gnomAD 0.00382; TOPMed 0.00557; ExAC 0.00574; ESP Exome Variant Server 0.00577; gnomAD exomes 0.00643.
gnomAD v4.1: 10,508 of 1,613,274 alleles (0.65%); highest among the groups gnomAD compares: Middle Eastern, 2.8%; 57 homozygotes.

Submissions (7):

CeGaT Center for Human Genetics Tuebingen
Classification: Likely benign. Last evaluated: 2026-08-01. Review status: criteria provided, single submitter. Criteria: CeGaT Center For Human Genetics Tuebingen Variant Classification Criteria Version 2. Collection method: clinical testing. Allele origin: germline. Affected: yes. Observed: 12 variant alleles.
Comment: ABL1: BP4, BP7, BS2

Labcorp Genetics (formerly Invitae), Labcorp
Classification: Benign. Last evaluated: 2026-02-04. Review status: criteria provided, single submitter. Criteria: Invitae Variant Classification Sherloc (09022015). Collection method: clinical testing. Allele origin: germline.

Blueprint Genetics
Classification: Likely benign. Last evaluated: 2024-11-26. Review status: criteria provided, single submitter. Criteria: ACMG Guidelines, 2015. Collection method: clinical testing. Allele origin: germline.

Fulgent Genetics
Classification: Likely benign for Chronic myeloid leukemia; Congenital heart defects and skeletal malformations syndrome. Last evaluated: 2021-09-27. Review status: criteria provided, single submitter. Criteria: ACMG Guidelines, 2015. Collection method: clinical testing. Allele origin: unknown.

Breakthrough Genomics
Classification: Benign. Review status: criteria provided, single submitter. Criteria: ACMG Guidelines, 2015. Collection method: not provided. Allele origin: germline. Inheritance: Autosomal dominant inheritance. Affected: yes.

Clinical Genetics DNA and cytogenetics Diagnostics Lab, Erasmus MC, Erasmus Medical Center
Classification: Benign. Review status: no assertion criteria provided. Collection method: clinical testing. Allele origin: germline. Affected: yes. Study: VKGL Data-share Consensus. Not counted in ClinVar's aggregate classification.

Genome Diagnostics Laboratory, Amsterdam University Medical Center
Classification: Benign. Review status: no assertion criteria provided. Collection method: clinical testing. Allele origin: germline. Affected: yes. Study: VKGL Data-share Consensus. Not counted in ClinVar's aggregate classification.